The following is an entry in ClinVar:

NM_004820.5(CYP7B1):c.955C>T (p.Arg319Cys)

Gene: CYP7B1 (cytochrome P450 family 7 subfamily B member 1; minus strand). Cytogenetic location: 8q12.3.
Variant type: single nucleotide variant.
Coding change: c.955C>T on transcript NM_004820.5 (MANE Select); coding-DNA position 955, C replaced by T.
Protein change: p.Arg319Cys; replaces arginine 319 with cysteine.
Molecular consequence: missense variant.
Genome position (GRCh38, 1-based): chr8:64,615,128, G>A on the plus strand (C>T on the coding strand, the complement: CYP7B1 is on the minus strand). VCF-style: chr8-64615128-G-A. GRCh37 (hg19) VCF-style: chr8-65527685-G-A.
Other names: p.Arg319Cys; c.955C>T, p.Arg319Cys (NM_001324112.2); short protein forms R319C.
Identifiers: ClinVar variation 587569 (VCV000587569.11), dbSNP rs1410531135, ClinGen allele CA371334593.

ClinVar aggregate classification (germline): Uncertain significance. Review status: criteria provided, multiple submitters, no conflicts (2 of 4 stars). 4 submissions from 4 submitters: Uncertain significance (4). Last evaluated 2025-12-09.

Conditions:
Hereditary spastic paraplegia 5A (SPG5A). Also called: SPASTIC PARAPLEGIA 5A, AUTOSOMAL RECESSIVE. Identifiers: Orphanet 100986, MedGen C1849115, MONDO:0010047, OMIM 270800.
Spastic paraplegia. Identifiers: MedGen C0037772, HP:0001258.

Allele frequency attached by ClinVar (database versions not stated): gnomAD 0.00001.
gnomAD v4.1: 13 of 1,613,470 alleles (0.00081%); highest among the groups gnomAD compares: Middle Eastern, 0.016%; no homozygotes.

Submissions (4):

Mayo Clinic Laboratories, Mayo Clinic
Classification: Uncertain significance. Last evaluated: 2025-12-09. Review status: criteria provided, single submitter. Criteria: ACMG Guidelines, 2015. Collection method: clinical testing. Allele origin: germline. Observed: 1 variant allele.
Comment: PP3, PM2_supporting

Blueprint Genetics
Classification: Uncertain significance. Last evaluated: 2024-08-19. Review status: criteria provided, single submitter. Criteria: ACMG Guidelines, 2015. Collection method: clinical testing. Allele origin: germline.

Labcorp Genetics (formerly Invitae), Labcorp
Classification: Uncertain significance for Spastic paraplegia. Last evaluated: 2024-03-05. Review status: criteria provided, single submitter. Criteria: Invitae Variant Classification Sherloc (09022015). Collection method: clinical testing. Allele origin: germline.
Comment: This sequence change replaces arginine, which is basic and polar, with cysteine, which is neutral and slightly polar, at codon 319 of the CYP7B1 protein (p.Arg319Cys). This variant is present in population databases (no rsID available, gnomAD 0.0008%). This variant has not been reported in the literature in individuals affected with CYP7B1-related conditions. ClinVar contains an entry for this variant (Variation ID: 587569). Advanced modeling of protein sequence and biophysical properties (such as structural, functional, and spatial information, amino acid conservation, physicochemical variation, residue mobility, and thermodynamic stability) performed at Invitae indicates that this missense variant is not expected to disrupt CYP7B1 protein function with a negative predictive value of 80%. In summary, the available evidence is currently insufficient to determine the role of this variant in disease. Therefore, it has been classified as a Variant of Uncertain Significance.

Genomic Research Center, Shahid Beheshti University of Medical Sciences
Classification: Uncertain significance for Spastic paraplegia 5A. Last evaluated: 2018-08-07. Review status: criteria provided, single submitter. Criteria: ACMG Guidelines, 2015. Collection method: clinical testing. Allele origin: inherited. Affected: no. Observed: 1 variant allele.